The following is an entry in ClinVar:

NM_177438.3(DICER1):c.4014G>C (p.Ala1338=)

Gene: DICER1 (dicer 1, ribonuclease III; minus strand). Cytogenetic location: 14q32.13.
Variant type: single nucleotide variant.
Coding change: c.4014G>C on transcript NM_177438.3 (MANE Select); coding-DNA position 4014, G replaced by C.
Protein change: p.Ala1338=; no amino-acid change (alanine 1338 retained).
Molecular consequence: synonymous variant. On other transcripts: non-coding transcript variant (6).
Genome position (GRCh38, 1-based): chr14:95,103,382, C>G on the plus strand (G>C on the coding strand, the complement: DICER1 is on the minus strand). VCF-style: chr14-95103382-C-G. GRCh37 (hg19) VCF-style: chr14-95569719-C-G.
Other names: c.4014G>C, p.Ala1338= (NM_001195573.1, NM_001271282.3, NM_001291628.2 and 12 more transcripts); c.3732G>C, p.Ala1244= (NM_001395686.1); c.3609G>C, p.Ala1203= (NM_001395687.1, NM_001395688.1, NM_001395689.1 and 2 more transcripts); c.3447G>C, p.Ala1149= (NM_001395691.1); c.2331G>C, p.Ala777= (NM_001395697.1).
Identifiers: ClinVar variation 4875995 (VCV004875995.1).

ClinVar aggregate classification (germline): Benign (1 of 4 stars; one submission).

Conditions:
DICER1-related tumor predisposition. Also called: DICER1 syndrome; DICER1-related pleuropulmonary blastoma cancer predisposition syndrome. Identifiers: Orphanet 284343, MedGen C3839822, MONDO:0100216.

gnomAD v4.1: 1 of 1,614,182 alleles (0.000062%); highest among the groups gnomAD compares: Non-Finnish European, 0.000085%; no homozygotes.

Submission:

Myriad Genetics, Inc.
Classification: Benign for DICER1-related tumor predisposition. Last evaluated: 2026-04-17. Review status: criteria provided, single submitter. Criteria: Myriad Autosomal Dominant, Autosomal Recessive and X-Linked Classification Criteria (2023). Collection method: clinical testing. Allele origin: unknown.
Comment: This variant is considered benign. This variant is a silent/synonymous amino acid change and it is not expected to impact splicing.